The following is an entry in ClinVar:

ClinVar aggregate classification (germline): Uncertain significance (1 of 4 stars; one submission).

Submission:

Labcorp Genetics (formerly Invitae), Labcorp
Classification: Uncertain significance. Last evaluated: 2025-12-20. Review status: criteria provided, single submitter. Criteria: Invitae Variant Classification Sherloc (09022015). Collection method: clinical testing. Allele origin: germline.
Comment: This sequence change replaces glycine, which is neutral and non-polar, with aspartic acid, which is acidic and polar, at codon 2797 of the CPLANE1 protein (p.Gly2797Asp). This variant is not present in population databases (gnomAD no frequency). This variant has not been reported in the literature in individuals affected with CPLANE1-related conditions. ClinVar contains an entry for this variant (Variation ID: 3635366). Invitae Evidence Modeling of protein sequence and biophysical properties (such as structural, functional, and spatial information, amino acid conservation, physicochemical variation, residue mobility, and thermodynamic stability) indicates that this missense variant is not expected to disrupt CPLANE1 protein function with a negative predictive value of 95%. In summary, the available evidence is currently insufficient to determine the role of this variant in disease. Therefore, it has been classified as a Variant of Uncertain Significance.

NM_001384732.1(CPLANE1):c.8552G>A (p.Gly2851Asp)

Gene: CPLANE1 (ciliogenesis and planar polarity effector complex subunit 1; minus strand). Cytogenetic location: 5p13.2.
Variant type: single nucleotide variant.
Coding change: c.8552G>A on transcript NM_001384732.1 (MANE Select); coding-DNA position 8552, G replaced by A.
Protein change: p.Gly2851Asp; replaces glycine 2851 with aspartic acid.
Molecular consequence: missense variant.
Genome position (GRCh38, 1-based): chr5:37,142,390, C>T on the plus strand (G>A on the coding strand, the complement: CPLANE1 is on the minus strand). VCF-style: chr5-37142390-C-T. GRCh37 (hg19) VCF-style: chr5-37142492-C-T.
Other names: c.8390G>A, p.Gly2797Asp (NM_023073.4); short protein forms G2851D, G2797D.
Identifiers: ClinVar variation 3635366 (VCV003635366.2).